The following is an entry in ClinVar:

NM_001035.3(RYR2):c.2884A>G (p.Lys962Glu)

Gene: RYR2 (ryanodine receptor 2; plus strand). Cytogenetic location: 1q43.
Variant type: single nucleotide variant.
Coding change: c.2884A>G on transcript NM_001035.3 (MANE Select); coding-DNA position 2884, A replaced by G.
Protein change: p.Lys962Glu; replaces lysine 962 with glutamic acid.
Molecular consequence: missense variant.
Genome position (GRCh38, 1-based): chr1:237,530,488, A>G. VCF-style: chr1-237530488-A-G. GRCh37 (hg19) VCF-style: chr1-237693788-A-G.
Other names: short protein forms K962E.
Identifiers: ClinVar variation 837939 (VCV000837939.15), dbSNP rs1668037094, ClinGen allele CA345388139.
Genomic context (GRCh38, chr1:237,530,488, plus strand): 5'-ACTTTGTTGGCATTAGGATGTCATGTGGGTATATCAGATGAACATGCTGAAGACAAGGTG[A>G]AAAAAATGAAGCTACCCAAGAAGTAAGTTGAATGACTAAGCAATATTAAATAATCTGTGT-3'
Protein context (NP_001026.2, residues 952-972): ISDEHAEDKV[Lys962Glu]KMKLPKNYQL

ClinVar aggregate classification (germline): Uncertain significance. Review status: criteria provided, multiple submitters, no conflicts (2 of 4 stars). 3 submissions from 3 submitters: Uncertain significance (3). Last evaluated 2025-12-13.

Conditions:
Catecholaminergic polymorphic ventricular tachycardia 1. Also called: VENTRICULAR TACHYCARDIA, CATECHOLAMINERGIC POLYMORPHIC, 1, WITH OR WITHOUT ATRIAL DYSFUNCTION AND/OR DILATED CARDIOMYOPATHY; RYR2-Related Catecholaminergic Polymorphic Ventricular Tachycardia; VENTRICULAR TACHYCARDIA, STRESS-INDUCED POLYMORPHIC 1. Identifiers: Orphanet 3286, MedGen C1631597, MONDO:0011484, OMIM 604772.
Cardiovascular phenotype. Identifiers: MedGen CN230736.

Submissions (3):

Labcorp Genetics (formerly Invitae), Labcorp
Classification: Uncertain significance for Catecholaminergic polymorphic ventricular tachycardia 1. Last evaluated: 2025-12-13. Review status: criteria provided, single submitter. Criteria: Invitae Variant Classification Sherloc (09022015). Collection method: clinical testing. Allele origin: germline.
Comment: This sequence change replaces lysine, which is basic and polar, with glutamic acid, which is acidic and polar, at codon 962 of the RYR2 protein (p.Lys962Glu). This variant is not present in population databases (gnomAD no frequency). This variant has not been reported in the literature in individuals affected with RYR2-related conditions. ClinVar contains an entry for this variant (Variation ID: 837939). Invitae Evidence Modeling of protein sequence and biophysical properties (such as structural, functional, and spatial information, amino acid conservation, physicochemical variation, residue mobility, and thermodynamic stability) indicates that this missense variant is not expected to disrupt RYR2 protein function with a negative predictive value of 95%. In summary, the available evidence is currently insufficient to determine the role of this variant in disease. Therefore, it has been classified as a Variant of Uncertain Significance.

Ambry Genetics
Classification: Uncertain significance for Cardiovascular phenotype. Last evaluated: 2023-12-08. Review status: criteria provided, single submitter. Criteria: Ambry Variant Classification Scheme 2023. Collection method: clinical testing. Allele origin: germline.
Comment: The p.K962E variant (also known as c.2884A>G), located in coding exon 25 of the RYR2 gene, results from an A to G substitution at nucleotide position 2884. The lysine at codon 962 is replaced by glutamic acid, an amino acid with similar properties. This amino acid position is highly conserved in available vertebrate species. In addition, this alteration is predicted to be deleterious by in silico analysis. Since supporting evidence is limited at this time, the clinical significance of this alteration remains unclear.

GeneDx
Classification: Uncertain significance. Last evaluated: 2019-02-04. Review status: criteria provided, single submitter. Criteria: GeneDx Variant Classification Process June 2021. Collection method: clinical testing. Allele origin: germline. Affected: yes.
Comment: Has not been previously reported as pathogenic or benign to our knowledge; Not observed in large population cohorts (Lek et al., 2016); In silico analysis, which includes protein predictors and evolutionary conservation, supports a deleterious effect; Not located in one of the three hot-spot regions of the RYR2 gene, where the majority of pathogenic missense variants occur (Medeiros-Domingo et al., 2009)